The following is an entry in ClinVar:

ClinVar aggregate classification (germline): Likely benign (0 of 4 stars; one submission).

Conditions:
NDUFS4-related disorder. Also called: NDUFS4-related condition.

Allele frequency attached by ClinVar (database versions not stated): TOPMed 0.00002; gnomAD 0.00006; gnomAD exomes 0.00011; ExAC 0.00027; 1000 Genomes Project 0.00060; 1000 Genomes Project 30x 0.00078.
gnomAD v4.1: 161 of 1,614,250 alleles (0.01%); highest among the groups gnomAD compares: South Asian, 0.17%; 1 homozygote.

Submission:

PreventionGenetics, part of Exact Sciences
Classification: Likely benign for NDUFS4-related condition. Last evaluated: 2019-12-24. Review status: no assertion criteria provided. Collection method: clinical testing. Allele origin: germline.
Comment: This variant is classified as likely benign based on ACMG/AMP sequence variant interpretation guidelines (Richards et al. 2015 PMID: 25741868, with internal and published modifications).

NM_002495.4(NDUFS4):c.-7C>T

Genes: NDUFS4 (NADH:ubiquinone oxidoreductase subunit S4; plus strand), LOC129993885 (ATAC-STARR-seq lymphoblastoid active region 22547; plus strand). Cytogenetic location: 5q11.2.
Variant type: single nucleotide variant.
Coding change: c.-7C>T on transcript NM_002495.4 (MANE Select); 7 bases upstream of the start codon, C replaced by T.
Molecular consequence: 5 prime UTR variant. On other transcripts: non-coding transcript variant (3).
Genome position (GRCh38, 1-based): chr5:53,560,656, C>T. VCF-style: chr5-53560656-C-T. GRCh37 (hg19) VCF-style: chr5-52856486-C-T.
Other names: c.-7C>T (NM_001318051.2).
Identifiers: ClinVar variation 3043108 (VCV003043108.2), dbSNP rs200181541, ClinGen allele CA3264116.
Genomic context (GRCh38, chr5:53,560,656, plus strand): 5'-TGAGAACGAAGGAAGTTAGTCCCTTGCGGTGATCCGTCCTTTCATCCTGGCGTTTGCCTG[C>T]AGCAAGATGGCGGCGGTGTCAATGTCAGTGGTACTGAGGCAGACGTTGTGGCGGAGAAGG-3'